The following is an entry in ClinVar:

NM_004360.5(CDH1):c.2517T>A (p.Gly839=)

Gene: CDH1 (cadherin 1; plus strand). Cytogenetic location: 16q22.1.
Variant type: single nucleotide variant.
Coding change: c.2517T>A on transcript NM_004360.5 (MANE Select); coding-DNA position 2517, T replaced by A.
Protein change: p.Gly839=; no amino-acid change (glycine 839 retained).
Molecular consequence: synonymous variant.
Genome position (GRCh38, 1-based): chr16:68,833,367, T>A. VCF-style: chr16-68833367-T-A. GRCh37 (hg19) VCF-style: chr16-68867270-T-A.
Other names: c.2334T>A, p.Gly778= (NM_001317184.2); c.969T>A, p.Gly323= (NM_001317185.2); c.552T>A, p.Gly184= (NM_001317186.2).
Identifiers: ClinVar variation 2174138 (VCV002174138.7), dbSNP rs2152143977, ClinGen allele CA496393088.
Genomic context (GRCh38, chr16:68,833,367, plus strand): 5'-TACTGACCCCACAGCCCCGCCTTATGATTCTCTGCTCGTGTTTGACTATGAAGGAAGCGG[T>A]TCCGAAGCTGCTAGTCTGAGCTCCCTGAACTCCTCAGAGTCAGACAAAGACCAGGACTAT-3'
Protein context (NP_004351.1, residues 829-849): SLLVFDYEGS[Gly839=]SEAASLSSLN

ClinVar aggregate classification (germline): Benign/Likely benign. Review status: criteria provided, multiple submitters, no conflicts (2 of 4 stars). 3 submissions from 3 submitters: Benign (1); Likely benign (2). Last evaluated 2024-09-24.

Conditions:
Hereditary cancer-predisposing syndrome. Also called: Neoplastic Syndromes, Hereditary; Tumor predisposition; Hereditary Cancer Syndrome; Hereditary neoplastic syndrome. Identifiers: Orphanet 140162, MedGen C0027672, MeSH D009386, MONDO:0015356.
Hereditary diffuse gastric adenocarcinoma (HDGC). Also called: DIFFUSE GASTRIC AND LOBULAR BREAST CANCER SYNDROME. Identifiers: Orphanet 26106, MedGen C1708349, MONDO:0007648, OMIM 137215.

Submissions (3):

Myriad Genetics, Inc.
Classification: Benign for Hereditary diffuse gastric adenocarcinoma. Last evaluated: 2024-09-24. Review status: criteria provided, single submitter. Criteria: Myriad Autosomal Dominant, Autosomal Recessive and X-Linked Classification Criteria (2023). Collection method: clinical testing. Allele origin: unknown.
Comment: This variant is considered benign. This variant is a silent/synonymous amino acid change and it is not expected to impact splicing.

Ambry Genetics
Classification: Likely benign for Hereditary cancer-predisposing syndrome. Last evaluated: 2023-07-12. Review status: criteria provided, single submitter. Criteria: Ambry Variant Classification Scheme 2023. Collection method: clinical testing. Allele origin: germline.

Labcorp Genetics (formerly Invitae), Labcorp
Classification: Likely benign for Hereditary diffuse gastric adenocarcinoma. Last evaluated: 2023-02-24. Review status: criteria provided, single submitter. Criteria: Invitae Variant Classification Sherloc (09022015). Collection method: clinical testing. Allele origin: germline.